The following is an entry in ClinVar:

ClinVar aggregate classification (germline): Conflicting classifications of pathogenicity. Review status: criteria provided, conflicting classifications (1 of 4 stars). 2 submissions from 2 submitters: Likely pathogenic (1); Uncertain significance (1). Last evaluated 2024-04-12.

Conditions:
Mucopolysaccharidosis, MPS-I-H/S. Also called: Mucopolysaccharidosis type IH/S. Identifiers: Orphanet 93476, MedGen C0086431, MONDO:0011759, OMIM 607015.
Hurler syndrome. Also called: Gargoylism, Hurler Syndrome; MUCOPOLYSACCHARIDOSIS TYPE IH; Severe MPS I (Hurler Syndrome). Identifiers: Orphanet 93473, MedGen C0086795, MONDO:0011758, OMIM 607014.
Mucopolysaccharidosis, MPS-I-S. Also called: MPS V; MUCOPOLYSACCHARIDOSIS TYPE V; Scheie Syndrome; MUCOPOLYSACCHARIDOSIS TYPE IS. Identifiers: Orphanet 93474, MedGen C0026708, MONDO:0011760, OMIM 607016.
Mucopolysaccharidosis type 1. Also called: IDUA deficiency; MPS I; Mucopolysaccharidosis Type I. Identifiers: Orphanet 579, MedGen C0023786, MONDO:0001586.

Allele frequency attached by ClinVar (database versions not stated): gnomAD exomes 0.00001; TOPMed below 0.00001.

Submissions (2):

Fulgent Genetics
Classification: Likely pathogenic for Hurler syndrome; Mucopolysaccharidosis, MPS-I-H/S; Mucopolysaccharidosis, MPS-I-S. Last evaluated: 2024-04-12. Review status: criteria provided, single submitter. Criteria: ACMG Guidelines, 2015. Collection method: clinical testing. Allele origin: germline.

Labcorp Genetics (formerly Invitae), Labcorp
Classification: Uncertain significance for Mucopolysaccharidosis type 1. Last evaluated: 2022-09-13. Review status: criteria provided, single submitter. Criteria: Invitae Variant Classification Sherloc (09022015). Collection method: clinical testing. Allele origin: germline.
Comment: This sequence change results in a frameshift in the IDUA gene (p.Pro650Alafs*12). While this is not anticipated to result in nonsense mediated decay, it is expected to disrupt the last 4 amino acid(s) of the IDUA protein and extend the protein by 7 additional amino acid residues. This variant is present in population databases (no rsID available, gnomAD 0.0009%). This variant has not been reported in the literature in individuals affected with IDUA-related conditions. Experimental studies and prediction algorithms are not available or were not evaluated, and the functional significance of this variant is currently unknown. In summary, the available evidence is currently insufficient to determine the role of this variant in disease. Therefore, it has been classified as a Variant of Uncertain Significance.

NM_000203.5(IDUA):c.1938_1947dup (p.Pro650fs)

Gene: IDUA (alpha-L-iduronidase; plus strand). Cytogenetic location: 4p16.3.
Variant type: Duplication.
Coding change: c.1938_1947dup on transcript NM_000203.5 (MANE Select); coding-DNA positions 1938 to 1947, 10 bases duplicated (GCCCCCATCC; older notation c.1938_1947dupGCCCCCATCC).
Protein change: p.Pro650fs; shifts the reading frame from proline 650.
Molecular consequence: frameshift variant. On other transcripts: non-coding transcript variant (1).
Genome position (GRCh38, 1-based): chr4:1,004,369-1,004,378, GCCCCCATCC duplicated. VCF-style (leftmost placement, unchanged base first): chr4-1004368-G-GGCCCCCATCC. GRCh37 (hg19) VCF-style: chr4-998156-G-GGCCCCCATCC.
Other names: c.1542_1551dup, p.Pro518fs (NM_001363576.1); short protein forms P650fs, P518fs.
Identifiers: ClinVar variation 2060207 (VCV002060207.2), dbSNP rs1292032609, ClinGen allele CA549154342.